The following is an entry in ClinVar:

ClinVar aggregate classification (germline): Likely benign. Review status: criteria provided, multiple submitters, no conflicts (2 of 4 stars). 2 submissions from 2 submitters: Likely benign (2). Last evaluated 2026-02-03.

Conditions:
Charcot-Marie-Tooth disease type 2. Also called: Charcot-Marie-Tooth type 2. Identifiers: Orphanet 64746, MedGen C0270914, MONDO:0018993.

Allele frequency attached by ClinVar (database versions not stated): TOPMed 0.00008; gnomAD exomes 0.00003 and 0.00013; ExAC 0.00006; gnomAD 0.00010 and 0.00009.
gnomAD v4.1: 53 of 1,613,432 alleles (0.0033%); highest among the groups gnomAD compares: Admixed American, 0.085%; no homozygotes.

Submissions (2):

Labcorp Genetics (formerly Invitae), Labcorp
Classification: Likely benign for Charcot-Marie-Tooth disease type 2. Last evaluated: 2026-02-03. Review status: criteria provided, single submitter. Criteria: Invitae Variant Classification Sherloc (09022015). Collection method: clinical testing. Allele origin: germline.

GeneDx
Classification: Likely benign. Last evaluated: 2017-08-22. Review status: criteria provided, single submitter. Criteria: GeneDx Variant Classification (06012015). Collection method: clinical testing. Allele origin: germline. Affected: yes.
Comment: This variant is considered likely benign or benign based on one or more of the following criteria: it is a conservative change, it occurs at a poorly conserved position in the protein, it is predicted to be benign by multiple in silico algorithms, and/or has population frequency not consistent with disease.

NM_001605.3(AARS1):c.962+16A>G

Gene: AARS1 (alanyl-tRNA synthetase 1; minus strand). Cytogenetic location: 16q22.1.
Variant type: single nucleotide variant.
Coding change: c.962+16A>G on transcript NM_001605.3 (MANE Select); 16 bases into the intron after coding-DNA position 962, A replaced by G.
Molecular consequence: intron variant.
Genome position (GRCh38, 1-based): chr16:70,269,602, T>C on the plus strand (A>G on the coding strand, the complement: AARS1 is on the minus strand). VCF-style: chr16-70269602-T-C. GRCh37 (hg19) VCF-style: chr16-70303505-T-C.
Identifiers: ClinVar variation 511291 (VCV000511291.8), dbSNP rs768846274, ClinGen allele CA8140981.